The following is an entry in ClinVar:

NM_177438.3(DICER1):c.1084C>T (p.His362Tyr)

Gene: DICER1 (dicer 1, ribonuclease III; minus strand). Cytogenetic location: 14q32.13.
Variant type: single nucleotide variant.
Coding change: c.1084C>T on transcript NM_177438.3 (MANE Select); coding-DNA position 1084, C replaced by T.
Protein change: p.His362Tyr; replaces histidine 362 with tyrosine.
Molecular consequence: missense variant.
Genome position (GRCh38, 1-based): chr14:95,124,488, G>A on the plus strand (C>T on the coding strand, the complement: DICER1 is on the minus strand). VCF-style: chr14-95124488-G-A. GRCh37 (hg19) VCF-style: chr14-95590825-G-A.
Other names: c.1084C>T, p.His362Tyr (NM_001195573.1, NM_001271282.3, NM_001291628.2 and 1 more transcripts); short protein forms H362Y.
Identifiers: ClinVar variation 942958 (VCV000942958.11), dbSNP rs1893225960, ClinGen allele CA390886992.

ClinVar aggregate classification (germline): Uncertain significance (1 of 4 stars; one submission).

Conditions:
DICER1-related tumor predisposition. Also called: DICER1-related pleuropulmonary blastoma cancer predisposition syndrome; DICER1 syndrome. Identifiers: Orphanet 284343, MedGen C3839822, MONDO:0100216.

Submission:

Labcorp Genetics (formerly Invitae), Labcorp
Classification: Uncertain significance for DICER1-related tumor predisposition. Last evaluated: 2019-09-26. Review status: criteria provided, single submitter. Criteria: Invitae Variant Classification Sherloc (09022015). Collection method: clinical testing. Allele origin: germline.
Comment: This sequence change replaces histidine with tyrosine at codon 362 of the DICER1 protein (p.His362Tyr). The histidine residue is moderately conserved and there is a moderate physicochemical difference between histidine and tyrosine. This variant is not present in population databases (ExAC no frequency). This variant has not been reported in the literature in individuals with DICER1-related conditions. Algorithms developed to predict the effect of missense changes on protein structure and function output the following: SIFT: "Tolerated"; PolyPhen-2: "Benign"; Align-GVGD: "Class C0". The tyrosine amino acid residue is found in multiple mammalian species, suggesting that this missense change does not adversely affect protein function. These predictions have not been confirmed by published functional studies and their clinical significance is uncertain. In summary, the available evidence is currently insufficient to determine the role of this variant in disease. Therefore, it has been classified as a Variant of Uncertain Significance.